The following is an entry in ClinVar:

ClinVar aggregate classification (germline): Uncertain significance (1 of 4 stars; one submission).

Conditions:
Hereditary cancer-predisposing syndrome. Also called: Neoplastic Syndromes, Hereditary; Tumor predisposition; Hereditary Cancer Syndrome; Hereditary neoplastic syndrome. Identifiers: Orphanet 140162, MedGen C0027672, MeSH D009386, MONDO:0015356.

Submission:

Ambry Genetics
Classification: Uncertain significance for Hereditary cancer-predisposing syndrome. Last evaluated: 2016-01-08. Review status: criteria provided, single submitter. Criteria: Ambry Variant Classification Scheme 2023. Collection method: clinical testing. Allele origin: germline.
Comment: The p.A565V variant (also known as c.1694C>T), located in coding exon 14 of the MRE11A gene, results from a C to T substitution at nucleotide position 1694. The alanine at codon 565 is replaced by valine, an amino acid with similar properties. This variant was not reported in population based cohorts in the following databases: Database of Single Nucleotide Polymorphisms (dbSNP), NHLBI Exome Sequencing Project (ESP), and 1000 Genomes Project. In the ESP, this variant was not observed in 6499 samples (12998 alleles) with coverage at this position. To date, this alteration has been detected with an allele frequency of approximately 0.001% (greater than 120000 alleles tested) in our clinical cohort. This amino acid position is poorly conserved in available vertebrate species. In addition, this alteration is predicted to be tolerated by in silico analysis. Since supporting evidence is limited at this time, the clinical significance of p.A565V remains unclear.

NM_005591.4(MRE11):c.1694C>T (p.Ala565Val)

Gene: MRE11 (MRE11 double strand break repair nuclease; minus strand). Cytogenetic location: 11q21.
Variant type: single nucleotide variant.
Coding change: c.1694C>T on transcript NM_005591.4 (MANE Select); coding-DNA position 1694, C replaced by T.
Protein change: p.Ala565Val; replaces alanine 565 with valine.
Molecular consequence: missense variant.
Genome position (GRCh38, 1-based): chr11:94,447,308, G>A on the plus strand (C>T on the coding strand, the complement: MRE11 is on the minus strand). VCF-style: chr11-94447308-G-A. GRCh37 (hg19) VCF-style: chr11-94180474-G-A.
Other names: c.1694C>T, p.Ala565Val (NM_001330347.2, NM_005590.4); short protein forms A565V.
Identifiers: ClinVar variation 481747 (VCV000481747.5), dbSNP rs1555005350, ClinGen allele CA382368309.
Genomic context (GRCh38, chr11:94,447,308, plus strand): 5'-GCTGAATTCTGCCCTCTTCCACCTCTTCGACCTCTTCCTCGGCCTCTTCCTTTGTTGGTT[G>A]CTGCTGAGATGCTATCATCAGAGTCATTAGCCATCTGTTCTGCTAAATCTATACTCATAA-3'
Protein context (NP_005582.1, residues 555-575): ANDSDDSISA[Ala565Val]TNKGRGRGRG